The following is an entry in ClinVar:

NM_012179.4(FBXO7):c.839T>C (p.Leu280Pro)

Gene: FBXO7 (F-box protein 7; plus strand). Cytogenetic location: 22q12.3.
Variant type: single nucleotide variant.
Coding change: c.839T>C on transcript NM_012179.4 (MANE Select); coding-DNA position 839, T replaced by C.
Protein change: p.Leu280Pro; replaces leucine 280 with proline.
Molecular consequence: missense variant.
Genome position (GRCh38, 1-based): chr22:32,487,796, T>C. VCF-style: chr22-32487796-T-C. GRCh37 (hg19) VCF-style: chr22-32883783-T-C.
Other names: c.602T>C, p.Leu201Pro (NM_001033024.2); c.497T>C, p.Leu166Pro (NM_001257990.2); short protein forms L280P, L201P, L166P.
Identifiers: ClinVar variation 452085 (VCV000452085.10), dbSNP rs776439796, ClinGen allele CA10201543.

ClinVar aggregate classification (germline): Uncertain significance. Review status: criteria provided, multiple submitters, no conflicts (2 of 4 stars). 3 submissions from 3 submitters: Uncertain significance (3). Last evaluated 2025-07-11.

Conditions:
Inborn genetic diseases. Identifiers: MedGen C0950123, MeSH D030342.
Parkinsonian-pyramidal syndrome. Also called: PARKINSON DISEASE 15, AUTOSOMAL RECESSIVE; PALLIDOPYRAMIDAL SYNDROME; PARKINSON DISEASE 15, AUTOSOMAL RECESSIVE EARLY-ONSET. Identifiers: Orphanet 171695, MedGen C1850100, MONDO:0009830, OMIM 260300.

Allele frequency attached by ClinVar (database versions not stated): ExAC 0.00003; gnomAD exomes 0.00004 and 0.00003; gnomAD 0.00004; TOPMed 0.00006.
gnomAD v4.1: 52 of 1,607,096 alleles (0.0032%); highest among the groups gnomAD compares: Admixed American, 0.013%; no homozygotes.

Submissions (3):

GeneDx
Classification: Uncertain significance. Last evaluated: 2025-07-11. Review status: criteria provided, single submitter. Criteria: GeneDx Variant Classification Process June 2021. Collection method: clinical testing. Allele origin: germline. Affected: yes.
Comment: In silico analysis suggests that this missense variant does not alter protein structure/function; Has not been previously published as pathogenic or benign to our knowledge

Ambry Genetics
Classification: Uncertain significance for Inborn genetic diseases. Last evaluated: 2025-05-17. Review status: criteria provided, single submitter. Criteria: Ambry Variant Classification Scheme 2023. Collection method: clinical testing. Allele origin: germline.

Labcorp Genetics (formerly Invitae), Labcorp
Classification: Uncertain significance for Parkinsonian-pyramidal syndrome. Last evaluated: 2022-07-02. Review status: criteria provided, single submitter. Criteria: Invitae Variant Classification Sherloc (09022015). Collection method: clinical testing. Allele origin: germline.
Comment: This sequence change replaces leucine, which is neutral and non-polar, with proline, which is neutral and non-polar, at codon 280 of the FBXO7 protein (p.Leu280Pro). This variant is present in population databases (rs776439796, gnomAD 0.05%). This variant has not been reported in the literature in individuals affected with FBXO7-related conditions. ClinVar contains an entry for this variant (Variation ID: 452085). Algorithms developed to predict the effect of missense changes on protein structure and function (SIFT, PolyPhen-2, Align-GVGD) all suggest that this variant is likely to be tolerated. In summary, the available evidence is currently insufficient to determine the role of this variant in disease. Therefore, it has been classified as a Variant of Uncertain Significance.